The following is an entry in ClinVar:

ClinVar aggregate classification (germline): Likely benign. Review status: criteria provided, multiple submitters, no conflicts (2 of 4 stars). 2 submissions from 2 submitters: Likely benign (2). Last evaluated 2025-08-23.

Allele frequency attached by ClinVar (database versions not stated): gnomAD 0.00001; gnomAD exomes 0.00001; TOPMed 0.00002; ExAC 0.00003; ESP Exome Variant Server 0.00015.

Submissions (2):

Labcorp Genetics (formerly Invitae), Labcorp
Classification: Likely benign. Last evaluated: 2025-08-23. Review status: criteria provided, single submitter. Criteria: Invitae Variant Classification Sherloc (09022015). Collection method: clinical testing. Allele origin: germline.

CeGaT Center for Human Genetics Tuebingen
Classification: Likely benign. Last evaluated: 2023-05-01. Review status: criteria provided, single submitter. Criteria: CeGaT Center For Human Genetics Tuebingen Variant Classification Criteria Version 2. Collection method: clinical testing. Allele origin: germline. Affected: yes. Observed: 1 variant allele.
Comment: COL7A1: BP4

NM_000094.4(COL7A1):c.1883G>A (p.Arg628Gln)

Gene: COL7A1 (collagen type VII alpha 1 chain; minus strand). Cytogenetic location: 3p21.31.
Variant type: single nucleotide variant.
Coding change: c.1883G>A on transcript NM_000094.4 (MANE Select); coding-DNA position 1883, G replaced by A.
Protein change: p.Arg628Gln; replaces arginine 628 with glutamine.
Molecular consequence: missense variant.
Genome position (GRCh38, 1-based): chr3:48,590,482, C>T on the plus strand (G>A on the coding strand, the complement: COL7A1 is on the minus strand). VCF-style: chr3-48590482-C-T. GRCh37 (hg19) VCF-style: chr3-48627915-C-T.
Other names: short protein forms R628Q.
Identifiers: ClinVar variation 2165750 (VCV002165750.28), dbSNP rs373777885, ClinGen allele CA2381083.